The following is an entry in ClinVar:

ClinVar aggregate classification (germline): Conflicting classifications of pathogenicity. Review status: criteria provided, conflicting classifications (1 of 4 stars). 3 submissions from 3 submitters: Uncertain significance (2); Likely benign (1). Last evaluated 2025-09-02.

Conditions:
Cardiovascular phenotype. Identifiers: MedGen CN230736.
Catecholaminergic polymorphic ventricular tachycardia (CVPT). Also called: Catecholamine-induced polymorphic ventricular tachycardia. Identifiers: Orphanet 3286, MedGen C5574922, MONDO:0017990.
Catecholaminergic polymorphic ventricular tachycardia 1. Also called: VENTRICULAR TACHYCARDIA, CATECHOLAMINERGIC POLYMORPHIC, 1, WITH OR WITHOUT ATRIAL DYSFUNCTION AND/OR DILATED CARDIOMYOPATHY; RYR2-Related Catecholaminergic Polymorphic Ventricular Tachycardia; VENTRICULAR TACHYCARDIA, STRESS-INDUCED POLYMORPHIC 1. Identifiers: Orphanet 3286, MedGen C1631597, MONDO:0011484, OMIM 604772.

Allele frequency attached by ClinVar (database versions not stated): TOPMed 0.00002.
gnomAD v4.1: 4 of 1,613,448 alleles (0.00025%); highest among the groups gnomAD compares: African/African-American, 0.0053%; no homozygotes.

Submissions (3):

Labcorp Genetics (formerly Invitae), Labcorp
Classification: Likely benign for Catecholaminergic polymorphic ventricular tachycardia 1. Last evaluated: 2025-09-02. Review status: criteria provided, single submitter. Criteria: Invitae Variant Classification Sherloc (09022015). Collection method: clinical testing. Allele origin: germline.

All of Us Research Program, National Institutes of Health
Classification: Uncertain significance for Catecholaminergic polymorphic ventricular tachycardia. Last evaluated: 2024-07-20. Review status: criteria provided, single submitter. Criteria: ACMG Guidelines, 2015. Collection method: clinical testing. Allele origin: germline. Inheritance: Autosomal dominant inheritance. Observed: 4 variant alleles, 4 heterozygotes.
Comment: This missense variant replaces serine with arginine at codon 2050 of the RYR2 protein. Computational prediction suggests that this variant may not impact protein structure and function (internally defined REVEL score threshold <= 0.5, PMID: 27666373). To our knowledge, functional studies have not been reported for this variant. This variant has not been reported in individuals affected with RYR2-related disorders in the literature. This variant has been identified in 1/248394 chromosomes in the general population by the Genome Aggregation Database (gnomAD). The available evidence is insufficient to determine the role of this variant in disease conclusively. Therefore, this variant is classified as a Variant of Uncertain Significance.

This study involves interpretation of variants in research participants for the purpose of population health screening. Participant phenotype was not available at the time of variant classification. Additional details can be found in publication PMID: 35346344, PMCID: PMC8962531

Ambry Genetics
Classification: Uncertain significance for Cardiovascular phenotype. Last evaluated: 2022-03-16. Review status: criteria provided, single submitter. Criteria: Ambry Variant Classification Scheme 2023. Collection method: clinical testing. Allele origin: germline.
Comment: The p.S2050R variant (also known as c.6150T>G), located in coding exon 40 of the RYR2 gene, results from a T to G substitution at nucleotide position 6150. The serine at codon 2050 is replaced by arginine, an amino acid with dissimilar properties. This amino acid position is not well conserved in available vertebrate species. In addition, this alteration is predicted to be tolerated by in silico analysis. Since supporting evidence is limited at this time, the clinical significance of this alteration remains unclear.

NM_001035.3(RYR2):c.6150T>G (p.Ser2050Arg)

Gene: RYR2 (ryanodine receptor 2; plus strand). Cytogenetic location: 1q43.
Variant type: single nucleotide variant.
Coding change: c.6150T>G on transcript NM_001035.3 (MANE Select); coding-DNA position 6150, T replaced by G.
Protein change: p.Ser2050Arg; replaces serine 2050 with arginine.
Molecular consequence: missense variant.
Genome position (GRCh38, 1-based): chr1:237,625,788, T>G. VCF-style: chr1-237625788-T-G. GRCh37 (hg19) VCF-style: chr1-237789088-T-G.
Other names: short protein forms S2050R.
Identifiers: ClinVar variation 836722 (VCV000836722.15), dbSNP rs371310419, ClinGen allele CA087053.